The following is an entry in ClinVar:

NM_001267550.2(TTN):c.57494_57495insTC (p.Lys19166fs)

Genes: TTN-AS1 (TTN antisense RNA 1; plus strand), TTN (titin; minus strand). Cytogenetic location: 2q31.2.
Variant type: Insertion.
Coding change: c.57494_57495insTC on transcript NM_001267550.2 (MANE Select); coding-DNA positions 57494 to 57495, TC inserted.
Protein change: p.Lys19166fs; shifts the reading frame from lysine 19166.
Molecular consequence: frameshift variant.
Genome position: GRCh38 VCF-style: chr2-178597587-G-GGA. GRCh37 (hg19) VCF-style: chr2-179462314-G-GGA.
Other names: c.52571_52572insTC, p.Lys17525fs (NM_001256850.1); c.30299_30300insTC, p.Lys10101fs (NM_003319.4); c.49790_49791insTC, p.Lys16598fs (NM_133378.4); c.30674_30675insTC, p.Lys10226fs (NM_133432.3); c.30875_30876insTC, p.Lys10293fs (NM_133437.4); short protein forms K10226fs, K19166fs, K10293fs, K16598fs, K17525fs, K10101fs.
Identifiers: ClinVar variation 2952896 (VCV002952896.3), dbSNP rs2469795686, ClinGen allele CA2740090973.

ClinVar aggregate classification (germline): Likely pathogenic (1 of 4 stars; one submission).

Conditions:
Autosomal recessive limb-girdle muscular dystrophy type 2J (LGMDR10). Also called: Limb-girdle muscular dystrophy, type 2J; MUSCULAR DYSTROPHY, LIMB-GIRDLE, AUTOSOMAL RECESSIVE 10. Identifiers: Orphanet 140922, MedGen C1837342, MONDO:0012127, OMIM 608807.
Dilated cardiomyopathy 1G (CMD1G). Identifiers: Orphanet 154, MedGen C1858763, MONDO:0011400, OMIM 604145.

Submission:

Labcorp Genetics (formerly Invitae), Labcorp
Classification: Likely pathogenic for Dilated cardiomyopathy 1G; Autosomal recessive limb-girdle muscular dystrophy type 2J. Last evaluated: 2023-10-15. Review status: criteria provided, single submitter. Criteria: Invitae Variant Classification Sherloc (09022015). Collection method: clinical testing. Allele origin: germline.
Comment: This sequence change creates a premature translational stop signal (p.Lys19166Profs*17) in the TTN gene. While this is not anticipated to result in nonsense mediated decay, it is expected to create a truncated TTN protein. This variant is not present in population databases (gnomAD no frequency). This variant has not been reported in the literature in individuals affected with TTN-related conditions. This variant is located in the A band of TTN (PMID: 25589632). Truncating variants in this region are significantly overrepresented in patients affected with dilated cardiomyopathy (PMID: 25589632). Truncating variants in this region have also been reported in individuals affected with autosomal recessive centronuclear myopathy (PMID: 23975875). In summary, the currently available evidence indicates that the variant is pathogenic, but additional data are needed to prove that conclusively. Therefore, this variant has been classified as Likely Pathogenic.

Literature cited by the submitters: PubMed 25589632; PubMed 23975875.